The following is an entry in ClinVar:

NM_001035.3(RYR2):c.2711A>G (p.Tyr904Cys)

Gene: RYR2 (ryanodine receptor 2; plus strand). Cytogenetic location: 1q43.
Variant type: single nucleotide variant.
Coding change: c.2711A>G on transcript NM_001035.3 (MANE Select); coding-DNA position 2711, A replaced by G.
Protein change: p.Tyr904Cys; replaces tyrosine 904 with cysteine.
Molecular consequence: missense variant.
Genome position (GRCh38, 1-based): chr1:237,506,807, A>G. VCF-style: chr1-237506807-A-G. GRCh37 (hg19) VCF-style: chr1-237670107-A-G.
Other names: p.Y904C:TAT>TGT; short protein forms Y904C.
Identifiers: ClinVar variation 179436 (VCV000179436.60), dbSNP rs201131315, ClinGen allele CA008925.
Genomic context (GRCh38, chr1:237,506,807, plus strand): 5'-AACTGGCAGAGAATATCCATGAACTCTGGGTTATGAATAAAATTGAGCTTGGCTGGCAGT[A>G]TGGTCCGGTATGTAATTTTGAAATTTATTTTCAGATTCTGTGAATACATCTTTCTGAAAA-3'
Protein context (NP_001026.2, residues 894-914): VMNKIELGWQ[Tyr904Cys]GPVRDDNKRQ

ClinVar aggregate classification (germline): Conflicting classifications of pathogenicity. Review status: criteria provided, conflicting classifications (1 of 4 stars). 10 submissions from 10 submitters: Uncertain significance (4); Likely benign (5). 1 of the submissions does not count toward it. Last evaluated 2026-04-17.

Conditions:
RYR2-related disorder. Also called: RYR2-related condition.
Cardiovascular phenotype. Identifiers: MedGen CN230736.
Cardiomyopathy (CMYO). Also called: Cardiomyopathies. Identifiers: Orphanet 167848, MedGen C0878544, MONDO:0004994, HP:0001638. Inheritance: Various modes of inheritance.
Catecholaminergic polymorphic ventricular tachycardia 1. Also called: RYR2-Related Catecholaminergic Polymorphic Ventricular Tachycardia; VENTRICULAR TACHYCARDIA, CATECHOLAMINERGIC POLYMORPHIC, 1, WITH OR WITHOUT ATRIAL DYSFUNCTION AND/OR DILATED CARDIOMYOPATHY; VENTRICULAR TACHYCARDIA, STRESS-INDUCED POLYMORPHIC 1. Identifiers: Orphanet 3286, MedGen C1631597, MONDO:0011484, OMIM 604772.

Allele frequency attached by ClinVar (database versions not stated): ExAC 0.00012; gnomAD exomes 0.00014; gnomAD 0.00016 and 0.00017; TOPMed 0.00019.
gnomAD v4.1: 154 of 1,610,920 alleles (0.0096%); highest among the groups gnomAD compares: Admixed American, 0.027%; no homozygotes.

Submissions (10):

Women's Health and Genetics/Laboratory Corporation of America, LabCorp
Classification: Likely benign. Last evaluated: 2026-04-17. Review status: criteria provided, single submitter. Criteria: LabCorp Variant Classification Summary - May 2015. Collection method: clinical testing. Allele origin: germline.
Comment: Variant summary: RYR2 c.2711A>G (p.Tyr904Cys) results in a non-conservative amino acid change in the encoded protein sequence. Algorithms developed to predict the effect of missense changes on protein structure and function all suggest that this variant is likely to be disruptive. The variant allele was found at a frequency of 0.00014 in 248642 control chromosomes. The observed variant frequency exceeds the estimated maximal expected allele frequency for disease-causing variants in RYR2. c.2711A>G has been observed in individuals affected with Catecholaminergic Polymorphic Ventricular Tachycardia like conditions (e.g. Forleo_2017, Landstorm_2017). These reports do not provide unequivocal conclusions about the association of the variant with Catecholaminergic Polymorphic Ventricular Tachycardia. To our knowledge, no experimental evidence demonstrating an impact on protein function has been reported. The following publications have been ascertained in the context of this evaluation (PMID: 28750076, 28404607). ClinVar contains an entry for this variant (Variation ID: 179436). Based on the evidence outlined above, the variant was classified as likely benign.

Labcorp Genetics (formerly Invitae), Labcorp
Classification: Likely benign for Catecholaminergic polymorphic ventricular tachycardia 1. Last evaluated: 2026-01-24. Review status: criteria provided, single submitter. Criteria: Invitae Variant Classification Sherloc (09022015). Collection method: clinical testing. Allele origin: germline.

GeneDx
Classification: Uncertain significance. Last evaluated: 2025-11-18. Review status: criteria provided, single submitter. Criteria: GeneDx Variant Classification Process June 2021. Collection method: clinical testing. Allele origin: germline. Affected: yes.
Comment: Identified in an individual with a sudden cardiac arrest who later received a heart transplant and an individual with facioscapulohumeral muscular dystrophy and hypertrophic cardiomyopathy in the published literature; however, both individuals harbored additional cardiogenetic variants that may explain their phenotypes (PMID: 26899768, 28697927); In silico analysis supports that this missense variant has a deleterious effect on protein structure/function; Not located in one of the three hot-spot regions of the RYR2 gene, where the majority of pathogenic missense variants occur (PMID: 19926015); This variant is associated with the following publications: (PMID: 23861362, 28697927, 26899768, 19926015, 28404607)

CeGaT Center for Human Genetics Tuebingen
Classification: Likely benign. Last evaluated: 2024-03-01. Review status: criteria provided, single submitter. Criteria: CeGaT Center For Human Genetics Tuebingen Variant Classification Criteria Version 2. Collection method: clinical testing. Allele origin: germline. Affected: yes. Observed: 3 variant alleles.
Comment: RYR2: BS2

ARUP Laboratories, Molecular Genetics and Genomics, ARUP Laboratories
Classification: Uncertain significance. Last evaluated: 2023-08-24. Review status: criteria provided, single submitter. Criteria: ARUP Molecular Germline Variant Investigation Process 2024. Collection method: clinical testing. Allele origin: germline.
Comment: The RYR2 c.2711A>G; p.Tyr904Cys variant (rs201131315) is reported in the literature in an individual affected with arrhythmogenic right ventricular cardiomyopathy (Forleo 2017). This variant was also found in an individual with hypertrophic cardiomyopathy that had other cardiac disease-related variants that may contribute to the phenotype (Lima da Silva 2018). The p.Tyr904Cys variant is reported in ClinVar (Variation ID: 179436) and is found in the general population with an overall allele frequency of 0.0146% (41/280,054 alleles) in the Genome Aggregation Database. Computational analyses predict that this variant is deleterious (REVEL: 0.956). Due to limited information, the clinical significance of this variant is uncertain at this time. References: Forleo C et al. Targeted next-generation sequencing detects novel gene-phenotype associations and expands the mutational spectrum in cardiomyopathies. PLoS One. 2017 Jul 27;12(7):e0181842. PMID: 28750076. Lima da Silva G et al. A Unique Case of Type-1 Facioscapulohumeral Muscular Dystrophy and Sarcomeric Hypertrophic Cardiomyopathy. Rev Esp Cardiol (Engl Ed). 2018 Sep;71(9):765-766. English, Spanish. PMID: 28697927.

Ambry Genetics
Classification: Likely benign for Cardiovascular phenotype. Last evaluated: 2020-12-30. Review status: criteria provided, single submitter. Criteria: Ambry Variant Classification Scheme 2023. Collection method: clinical testing. Allele origin: germline.

Color Diagnostics, LLC DBA Color Health
Classification: Likely benign for Cardiomyopathy. Last evaluated: 2018-10-26. Review status: criteria provided, single submitter. Criteria: ACMG Guidelines, 2015. Collection method: clinical testing. Allele origin: germline.

Laboratory for Molecular Medicine, Mass General Brigham Personalized Medicine
Classification: Uncertain significance. Last evaluated: 2013-12-04. Review status: criteria provided, single submitter. Criteria: LMM Criteria. Collection method: clinical testing. Allele origin: germline. Observed: 1 variant allele.
Comment: The Tyr904Cys variant in RYR2 has not been previously reported in individuals wi th cardiomyopathy but has been identified in 0.1% (2/1500) chromosomes by the Cl inSeq Project (Ng 2013 and dbSNP rs201131315). Computational analyses (amino aci d biochemical properties, conservation, SIFT, AlignGVGD, PolyPhen-2) suggest tha t the Tyr904Cys variant may impact the protein, though this information is not p redictive enough to determine pathogenicity. Additional information is needed to fully assess its clinical significance.

Biesecker Lab/Clinical Genomics Section, National Institutes of Health
Classification: Uncertain significance. Last evaluated: 2013-06-24. Review status: criteria provided, single submitter. Criteria: Ng et al. (Circ Cardiovasc Genet. 2013). Collection method: research. Allele origin: unknown. Observed: 2 variant alleles. Study: ClinSeq.
Comment: The study set was not selected for affection status in relation to any cancer. Pathogenicity categories were based on literature curation. See Pubmed ID:23861362 for details.

Medical sequencing

PreventionGenetics, part of Exact Sciences
Classification: Likely benign for RYR2-related condition. Last evaluated: 2024-04-19. Review status: no assertion criteria provided. Collection method: clinical testing. Allele origin: germline. Not counted in ClinVar's aggregate classification.
Comment: This variant is classified as likely benign based on ACMG/AMP sequence variant interpretation guidelines (Richards et al. 2015 PMID: 25741868, with internal and published modifications).

Literature cited by the submitters: PubMed 28404607 (cited by Women's Health and Genetics/Laboratory Corporation of America, LabCorp and Ambry Genetics); PubMed 28750076 (cited by Women's Health and Genetics/Laboratory Corporation of America, LabCorp and Ambry Genetics); PubMed 23861362 (cited by Ambry Genetics and Laboratory for Molecular Medicine, Mass General Brigham Personalized Medicine); PubMed 26899768 (cited by Ambry Genetics); PubMed 28697927 (cited by Ambry Genetics).